The following is an entry in ClinVar:

ClinVar aggregate classification (germline): Conflicting classifications of pathogenicity. Review status: criteria provided, conflicting classifications (1 of 4 stars). 7 submissions from 7 submitters: Uncertain significance (3); Likely benign (4). Last evaluated 2026-07-13.

Conditions:
SMARCA4-related disorder. Also called: SMARCA4-related condition.
Hereditary cancer-predisposing syndrome. Also called: Hereditary Cancer Syndrome; Hereditary neoplastic syndrome; Neoplastic Syndromes, Hereditary; Tumor predisposition. Identifiers: Orphanet 140162, MedGen C0027672, MeSH D009386, MONDO:0015356.
Intellectual disability, autosomal dominant 16 (CSS4). Also called: COFFIN-SIRIS SYNDROME 4. Identifiers: Orphanet 1465, MedGen C3553249, MONDO:0013821, OMIM 614609.
Rhabdoid tumor predisposition syndrome 2 (RTPS2). Identifiers: Orphanet 231108, Orphanet 69077, MedGen C2750074, MONDO:0013224, OMIM 613325.

Allele frequency attached by ClinVar (database versions not stated): gnomAD 0.00003; TOPMed 0.00006.
gnomAD v4.1: 98 of 1,610,890 alleles (0.0061%); highest among the groups gnomAD compares: Admixed American, 0.042%; no homozygotes.

Submissions (7):

PreventionGenetics, part of Exact Sciences
Classification: Likely benign for SMARCA4-related condition. Last evaluated: 2026-07-13. Review status: criteria provided, single submitter. Criteria: ACMG Guidelines, 2015. Collection method: clinical testing. Allele origin: germline.
Comment: This variant is classified as likely benign based on ACMG/AMP sequence variant interpretation guidelines (Richards et al. 2015 PMID: 25741868, with internal and published modifications).

Myriad Genetics, Inc.
Classification: Likely benign for Rhabdoid tumor predisposition syndrome 2. Last evaluated: 2026-07-06. Review status: criteria provided, single submitter. Criteria: Myriad Autosomal Dominant, Autosomal Recessive and X-Linked Classification Criteria (2023). Collection method: clinical testing. Allele origin: unknown.
Comment: This variant is considered likely benign. This variant has been observed at a population frequency that is significantly greater than expected given the associated disease prevalence and penetrance.

Labcorp Genetics (formerly Invitae), Labcorp
Classification: Likely benign for Rhabdoid tumor predisposition syndrome 2. Last evaluated: 2026-01-16. Review status: criteria provided, single submitter. Criteria: Invitae Variant Classification Sherloc (09022015). Collection method: clinical testing. Allele origin: germline.

St. Jude Molecular Pathology, St. Jude Children's Research Hospital
Classification: Uncertain significance for Rhabdoid tumor predisposition syndrome 2. Last evaluated: 2025-02-05. Review status: criteria provided, single submitter. Criteria: St. Jude Assertion Criteria 2020. Collection method: clinical testing. Allele origin: germline.
Comment: The SMARCA4 c.115G>A (p.Ala39Thr) missense change has a maximum subpopulation frequency of 0.05% in gnomAD v2.1.1. The in silico tool REVEL predicts a benign effect on protein function, but to our knowledge this prediction has not been confirmed by functional studies. To our knowledge, this variant has not been reported in individuals with rhabdoid tumor predisposition syndrome. In summary, the evidence currently available is insufficient to determine the clinical significance of this variant. It has therefore been classified as of uncertain significance.

GeneDx
Classification: Uncertain significance. Last evaluated: 2023-06-29. Review status: criteria provided, single submitter. Criteria: GeneDx Variant Classification Process June 2021. Collection method: clinical testing. Allele origin: germline. Affected: yes.
Comment: In silico analysis supports that this missense variant does not alter protein structure/function; Has not been previously published as pathogenic or benign to our knowledge

Ambry Genetics
Classification: Likely benign for Hereditary cancer-predisposing syndrome. Last evaluated: 2022-05-26. Review status: criteria provided, single submitter. Criteria: Ambry Variant Classification Scheme 2023. Collection method: clinical testing. Allele origin: germline.

Genome-Nilou Lab
Classification: Uncertain significance for Intellectual disability, autosomal dominant 16. Last evaluated: 2021-07-15. Review status: criteria provided, single submitter. Criteria: ACMG Guidelines, 2015. Collection method: clinical testing. Allele origin: germline. Affected: no.

NM_003072.5(SMARCA4):c.115G>A (p.Ala39Thr)

Gene: SMARCA4 (SWI/SNF related BAF chromatin remodeling complex subunit ATPase 4; plus strand). Cytogenetic location: 19p13.2.
Variant type: single nucleotide variant.
Coding change: c.115G>A on transcript NM_003072.5 (MANE Select); coding-DNA position 115, G replaced by A.
Protein change: p.Ala39Thr; replaces alanine 39 with threonine.
Molecular consequence: missense variant. On other transcripts: non-coding transcript variant (1).
Genome position (GRCh38, 1-based): chr19:10,984,266, G>A. VCF-style: chr19-10984266-G-A. GRCh37 (hg19) VCF-style: chr19-11094942-G-A.
Other names: c.115G>A, p.Ala39Thr (NM_001128844.3, NM_001128845.2, NM_001128846.2 and 5 more transcripts); c.115G>A (NM_001128849.2); short protein forms A39T.
Identifiers: ClinVar variation 408710 (VCV000408710.21), dbSNP rs764312409, ClinGen allele CA9203404.